The following is an entry in ClinVar:

ClinVar aggregate classification (germline): Likely benign (1 of 4 stars; one submission).

Allele frequency attached by ClinVar (database versions not stated): gnomAD 0.00452 and 0.00477; TOPMed 0.00522; 1000 Genomes Project 0.00579; 1000 Genomes Project 30x 0.00609.
gnomAD v4.1: 678 of 152,240 alleles (0.45%); highest among the groups gnomAD compares: African/African-American, 1.6%; 4 homozygotes.

Submission:

GeneDx
Classification: Likely benign. Last evaluated: 2018-06-14. Review status: criteria provided, single submitter. Criteria: GeneDx Variant Classification (06012015). Collection method: clinical testing. Allele origin: germline. Affected: yes.
Comment: This variant is considered likely benign or benign based on one or more of the following criteria: it is a conservative change, it occurs at a poorly conserved position in the protein, it is predicted to be benign by multiple in silico algorithms, and/or has population frequency not consistent with disease.

NM_001040142.2(SCN2A):c.2150-236A>G

Gene: SCN2A (sodium voltage-gated channel alpha subunit 2; plus strand). Cytogenetic location: 2q24.3.
Variant type: single nucleotide variant.
Coding change: c.2150-236A>G on transcript NM_001040142.2 (MANE Select); 236 bases into the intron before coding-DNA position 2150, A replaced by G.
Molecular consequence: intron variant.
Genome position (GRCh38, 1-based): chr2:165,331,094, A>G. VCF-style: chr2-165331094-A-G. GRCh37 (hg19) VCF-style: chr2-166187604-A-G.
Other names: c.2150-236A>G (NM_001040143.2, NM_001371246.1, NM_001371247.1 and 1 more transcripts).
Identifiers: ClinVar variation 678937 (VCV000678937.1), dbSNP rs116249800, ClinGen allele CA59741074.